The following is an entry in ClinVar:

ClinVar aggregate classification (germline): Uncertain significance. Review status: criteria provided, multiple submitters, no conflicts (2 of 4 stars). 2 submissions from 2 submitters: Uncertain significance (2). Last evaluated 2024-04-17.

Conditions:
Hereditary cancer-predisposing syndrome. Also called: Neoplastic Syndromes, Hereditary; Tumor predisposition; Hereditary Cancer Syndrome; Hereditary neoplastic syndrome. Identifiers: Orphanet 140162, MedGen C0027672, MeSH D009386, MONDO:0015356.

Allele frequency attached by ClinVar (database versions not stated): ExAC 0.00001; gnomAD exomes 0.00001.
gnomAD v4.1: 1 of 1,613,788 alleles (0.000062%); highest among the groups gnomAD compares: Non-Finnish European, 0.000085%; no homozygotes.

Submissions (2):

Ambry Genetics
Classification: Uncertain significance for Hereditary cancer-predisposing syndrome. Last evaluated: 2024-04-17. Review status: criteria provided, single submitter. Criteria: Ambry Variant Classification Scheme 2023. Collection method: clinical testing. Allele origin: germline.
Comment: The c.-3G>A variant is located in the 5' untranslated region (5&rsquo; UTR) of the MUTYH gene. This variant results from a G to A substitution 3 bases upstream from the first translated codon. This nucleotide position is highly conserved in available vertebrate species. Based on the available evidence, the clinical significance of this variant remains unclear.

Color Diagnostics, LLC DBA Color Health
Classification: Uncertain significance for Hereditary cancer-predisposing syndrome. Last evaluated: 2021-01-21. Review status: criteria provided, single submitter. Criteria: ACMG Guidelines, 2015. Collection method: clinical testing. Allele origin: germline.
Comment: This variant is located in the 5' untranslated region of the MUTYH gene. To our knowledge, functional studies have not been reported for this variant. This variant has not been reported in individuals affected with hereditary cancer in the literature. This variant has been identified in 2/248948 chromosomes in the general population by the Genome Aggregation Database (gnomAD). The available evidence is insufficient to determine the role of this variant in disease conclusively. Therefore, this variant is classified as a Variant of Uncertain Significance.

NM_001128425.2(MUTYH):c.-3G>A

Genes: MUTYH (mutY DNA glycosylase; minus strand), TOE1 (target of EGR1, exonuclease; plus strand). Cytogenetic location: 1p34.1.
Variant type: single nucleotide variant.
Coding change: c.-3G>A on transcript NM_001128425.2 (MANE Plus Clinical); 3 bases upstream of the start codon, G replaced by A.
Molecular consequence: 5 prime UTR variant. On other transcripts: missense variant (1), non-coding transcript variant (3).
Genome position (GRCh38, 1-based): chr1:45,340,257, C>T on the plus strand (G>A on the coding strand, the complement: MUTYH is on the minus strand). VCF-style: chr1-45340257-C-T. GRCh37 (hg19) VCF-style: chr1-45805929-C-T.
Other names: c.5C>T, p.Ala2Val (NM_025077.4); c.-45G>A (NM_001048171.2); c.-3G>A (NM_001293190.2, NM_001407069.1, NM_001407073.1 and 1 more transcripts); c.-257G>A (NM_001293192.2); c.-316G>A (NM_001350650.2); c.-252G>A (NM_001350651.2); c.-61G>A (NM_001407070.1, NM_001407071.1); c.-41G>A (NM_001407072.1); short protein forms A2V.
Identifiers: ClinVar variation 1171396 (VCV001171396.7), dbSNP rs748689064, ClinGen allele CA089496.
Genomic context (GRCh38, chr1:45,340,257, plus strand): 5'-ACGGACCGCAAGTCCAGCGTACCCACAGACGACTCAGGCGGGAGACGAGCGGTGTCATGG[C>T]CGCCGACAGTGACGATGGCGCAGTTTCAGCTCCCGCAGCTTCCGACGGTGAGCGGCTTCC-3'